The following is an entry in ClinVar:

ClinVar aggregate classification (germline): Uncertain significance (1 of 4 stars; one submission).

Conditions:
Hereditary cancer-predisposing syndrome. Also called: Neoplastic Syndromes, Hereditary; Tumor predisposition; Hereditary neoplastic syndrome; Hereditary Cancer Syndrome. Identifiers: Orphanet 140162, MedGen C0027672, MeSH D009386, MONDO:0015356.

Submission:

Ambry Genetics
Classification: Uncertain significance for Hereditary cancer-predisposing syndrome. Last evaluated: 2023-12-24. Review status: criteria provided, single submitter. Criteria: Ambry Variant Classification Scheme 2023. Collection method: clinical testing. Allele origin: germline.
Comment: The p.S421C variant (also known as c.1262C>G), located in coding exon 12 of the TSC2 gene, results from a C to G substitution at nucleotide position 1262. The serine at codon 421 is replaced by cysteine, an amino acid with dissimilar properties. This amino acid position is conserved. In addition, the in silico prediction for this alteration is inconclusive. Since supporting evidence is limited at this time, the clinical significance of this alteration remains unclear.

NM_000548.5(TSC2):c.1262C>G (p.Ser421Cys)

Gene: TSC2 (TSC complex subunit 2; plus strand). Cytogenetic location: 16p13.3.
Variant type: single nucleotide variant.
Coding change: c.1262C>G on transcript NM_000548.5 (MANE Select); coding-DNA position 1262, C replaced by G.
Protein change: p.Ser421Cys; replaces serine 421 with cysteine.
Molecular consequence: missense variant. On other transcripts: 5 prime UTR variant (8), non-coding transcript variant (5), intron variant (2).
Genome position (GRCh38, 1-based): chr16:2,062,501, C>G. VCF-style: chr16-2062501-C-G. GRCh37 (hg19) VCF-style: chr16-2112502-C-G.
Other names: c.1262C>G, p.Ser421Cys (NM_001077183.3, NM_001114382.3, NM_001363528.2 and 6 more transcripts); c.1151C>G, p.Ser384Cys (NM_001318827.2, NM_001406670.1, NM_001406678.1); c.1115C>G, p.Ser372Cys (NM_001318829.2, NM_001406675.1, NM_001406676.1 and 1 more transcripts); c.662C>G, p.Ser221Cys (NM_001318831.2, NM_001406680.1, NM_001406682.1 and 6 more transcripts); c.1295C>G, p.Ser432Cys (NM_001318832.2); c.1352C>G, p.Ser451Cys (NM_001406667.1, NM_001406668.1); c.1250C>G, p.Ser417Cys (NM_001406671.1, NM_001406673.1); c.1205C>G, p.Ser402Cys (NM_001406677.1); and 4 more; short protein forms S221C, S267C, S372C, S384C, S402C, S417C, S421C, S432C.
Identifiers: ClinVar variation 3232076 (VCV003232076.1), dbSNP rs2151163260, ClinGen allele CA394321825.